The following is an entry in ClinVar:

ClinVar aggregate classification (germline): Uncertain significance (1 of 4 stars; one submission).

Conditions:
Congenital myasthenic syndrome 20. Also called: Myasthenic syndrome, congenital, 20, presynaptic. Identifiers: MedGen C4310694, MONDO:0014939, OMIM 617143.
Neuronopathy, distal hereditary motor, type 7A. Also called: NEURONOPATHY, DISTAL HEREDITARY MOTOR, HARDING TYPE VIIA; NEUROPATHY, DISTAL HEREDITARY MOTOR, HARDING TYPE VIIA; Neuronopathy, distal hereditary motor, autosomal dominant 7; HARPER-YOUNG MYOPATHY; HMN VIIA; Neuronopathy, distal hereditary motor, type viia. Identifiers: Orphanet 139589, MedGen C1834703, MONDO:0008024, OMIM 158580.

gnomAD v4.1: 1 of 1,613,008 alleles (0.000062%); highest among the groups gnomAD compares: Admixed American, 0.0017%; no homozygotes.

Submission:

Labcorp Genetics (formerly Invitae), Labcorp
Classification: Uncertain significance for Neuronopathy, distal hereditary motor, type 7A; Congenital myasthenic syndrome 20. Last evaluated: 2025-08-25. Review status: criteria provided, single submitter. Criteria: Invitae Variant Classification Sherloc (09022015). Collection method: clinical testing. Allele origin: germline.
Comment: This sequence change replaces glutamine, which is neutral and polar, with glutamic acid, which is acidic and polar, at codon 191 of the SLC5A7 protein (p.Gln191Glu). This variant is present in population databases (rs766421958, gnomAD 0.003%). This variant has not been reported in the literature in individuals affected with SLC5A7-related conditions. Invitae Evidence Modeling of protein sequence and biophysical properties (such as structural, functional, and spatial information, amino acid conservation, physicochemical variation, residue mobility, and thermodynamic stability) indicates that this missense variant is expected to disrupt SLC5A7 protein function with a positive predictive value of 80%. In summary, the available evidence is currently insufficient to determine the role of this variant in disease. Therefore, it has been classified as a Variant of Uncertain Significance.

NM_021815.5(SLC5A7):c.571C>G (p.Gln191Glu)

Gene: SLC5A7 (solute carrier family 5 member 7; plus strand). Cytogenetic location: 2q12.3.
Variant type: single nucleotide variant.
Coding change: c.571C>G on transcript NM_021815.5 (MANE Select); coding-DNA position 571, C replaced by G.
Protein change: p.Gln191Glu; replaces glutamine 191 with glutamic acid.
Molecular consequence: missense variant. On other transcripts: 5 prime UTR variant (1).
Genome position (GRCh38, 1-based): chr2:107,997,960, C>G. VCF-style: chr2-107997960-C-G. GRCh37 (hg19) VCF-style: chr2-108614416-C-G.
Other names: c.571C>G, p.Gln191Glu (NM_001305005.3); c.256C>G, p.Gln86Glu (NM_001305006.3); c.-134C>G (NM_001305007.3); short protein forms Q86E, Q191E.
Identifiers: ClinVar variation 4792363 (VCV004792363.1).